The following is an entry in ClinVar:

NM_001290043.2(TAP2):c.1120G>A (p.Ala374Thr)

Gene: TAP2 (transporter 2, ATP binding cassette subfamily B member; minus strand). Cytogenetic location: 6p21.32.
Variant type: single nucleotide variant.
Coding change: c.1120G>A on transcript NM_001290043.2 (MANE Select); coding-DNA position 1120, G replaced by A.
Protein change: p.Ala374Thr; replaces alanine 374 with threonine.
Molecular consequence: missense variant.
Genome position (GRCh38, 1-based): chr6:32,832,650, C>T on the plus strand (G>A on the coding strand, the complement: TAP2 is on the minus strand). VCF-style: chr6-32832650-C-T. GRCh37 (hg19) VCF-style: chr6-32800427-C-T.
Other names: c.1120G>A, p.Ala374Thr (NM_000544.3, NM_018833.3); c.1120G>A (NM_001290043.1); short protein forms A374T.
Identifiers: ClinVar variation 466362 (VCV000466362.16), dbSNP rs111303994, ClinGen allele CA3745991.
Genomic context (GRCh38, chr6:32,832,650, plus strand): 5'-TTCCTGGGCTCCTTTCACAACCACTCTGGTATCTTACCCTCCTTACGAGCAGGTACAAGG[C>T]GCGTTCCAGGTCTCTCCGCCAATACAGCTGCCGACATTGTTCAAGGGCCTCTTTATAGCG-3'
Protein context (NP_001276972.1, residues 364-384): QLYWRRDLER[Ala374Thr]LYLLVRRVLH

ClinVar aggregate classification (germline): Benign/Likely benign. Review status: criteria provided, multiple submitters, no conflicts (2 of 4 stars). 4 submissions from 4 submitters: Benign (1); Likely benign (2). 1 of the submissions does not count toward it. Last evaluated 2026-01-29.

Conditions:
TAP2-related disorder. Also called: TAP2-related condition.
MHC class I deficiency. Identifiers: Orphanet 34592, MedGen C6024714, MONDO:0011476.

Allele frequency attached by ClinVar (database versions not stated): gnomAD 0.01388 and 0.01475; 1000 Genomes Project 0.01597; ESP Exome Variant Server 0.01457; TOPMed 0.01664; gnomAD exomes 0.00293 and 0.00575; 1000 Genomes Project 30x 0.01686; ExAC 0.00613.

Submissions (4):

Labcorp Genetics (formerly Invitae), Labcorp
Classification: Benign for MHC class I deficiency 1. Last evaluated: 2026-01-29. Review status: criteria provided, single submitter. Criteria: Invitae Variant Classification Sherloc (09022015). Collection method: clinical testing. Allele origin: germline.

Women's Health and Genetics/Laboratory Corporation of America, LabCorp
Classification: Likely benign. Last evaluated: 2026-01-22. Review status: criteria provided, single submitter. Criteria: LabCorp Variant Classification Summary - May 2015. Collection method: clinical testing. Allele origin: germline.

Fulgent Genetics
Classification: Likely benign for MHC class I deficiency 1. Last evaluated: 2021-07-13. Review status: criteria provided, single submitter. Criteria: ACMG Guidelines, 2015. Collection method: clinical testing. Allele origin: unknown.

PreventionGenetics, part of Exact Sciences
Classification: Benign for TAP2-related condition. Last evaluated: 2019-04-01. Review status: no assertion criteria provided. Collection method: clinical testing. Allele origin: germline. Not counted in ClinVar's aggregate classification.
Comment: This variant is classified as benign based on ACMG/AMP sequence variant interpretation guidelines (Richards et al. 2015 PMID: 25741868, with internal and published modifications).